The following is an entry in ClinVar:

NM_000455.5(STK11):c.957A>C (p.Pro319=)

Gene: STK11 (serine/threonine kinase 11; plus strand). Cytogenetic location: 19p13.3.
Variant type: single nucleotide variant.
Coding change: c.957A>C on transcript NM_000455.5 (MANE Select); coding-DNA position 957, A replaced by C.
Protein change: p.Pro319=; no amino-acid change (proline 319 retained).
Molecular consequence: synonymous variant. On other transcripts: non-coding transcript variant (1).
Genome position (GRCh38, 1-based): chr19:1,223,021, A>C. VCF-style: chr19-1223021-A-C. GRCh37 (hg19) VCF-style: chr19-1223020-A-C.
Other names: c.957A>C, p.Pro319= (NM_001407255.1).
Identifiers: ClinVar variation 3904326 (VCV003904326.1).
Genomic context (GRCh38, chr19:1,223,021, plus strand): 5'-GCCACTGCTTCTGGGCGTTTGCAGCTGGTTCCGGAAGAAACATCCTCCGGCTGAAGCACC[A>C]GTGCCCATCCCACCGAGCCCAGACACCAAGGACCGGTGGCGCAGCATGACTGTGGTGCCG-3'
Protein context (NP_000446.1, residues 309-329): FRKKHPPAEA[Pro319=]VPIPPSPDTK

ClinVar aggregate classification (germline): Benign (1 of 4 stars; one submission).

Conditions:
Peutz-Jeghers syndrome (PJS). Also called: POLYPOSIS, HAMARTOMATOUS INTESTINAL; POLYPS-AND-SPOTS SYNDROME; Peutz-Jeghers polyposis; Periorificial lentiginosis syndrome. Identifiers: Orphanet 2869, MedGen C0031269, MeSH D010580, MONDO:0008280, OMIM 175200.

Submission:

Myriad Genetics, Inc.
Classification: Benign for Peutz-Jeghers syndrome. Last evaluated: 2025-03-28. Review status: criteria provided, single submitter. Criteria: Myriad Autosomal Dominant, Autosomal Recessive and X-Linked Classification Criteria (2023). Collection method: clinical testing. Allele origin: unknown.
Comment: This variant is considered benign. This variant is a silent/synonymous amino acid change and it is not expected to impact splicing.